The following is an entry in ClinVar:

ClinVar aggregate classification (germline): Uncertain significance (1 of 4 stars; one submission).

Submission:

Labcorp Genetics (formerly Invitae), Labcorp
Classification: Uncertain significance. Last evaluated: 2025-02-15. Review status: criteria provided, single submitter. Criteria: Invitae Variant Classification Sherloc (09022015). Collection method: clinical testing. Allele origin: germline.
Comment: This sequence change replaces leucine, which is neutral and non-polar, with arginine, which is basic and polar, at codon 790 of the LTBP4 protein (p.Leu790Arg). This variant is not present in population databases (gnomAD no frequency). This variant has not been reported in the literature in individuals affected with LTBP4-related conditions. Experimental studies and prediction algorithms are not available or were not evaluated, and the functional significance of this variant is currently unknown. In summary, the available evidence is currently insufficient to determine the role of this variant in disease. Therefore, it has been classified as a Variant of Uncertain Significance.

NM_001042545.2(LTBP4):c.2279T>G (p.Leu760Arg)

Gene: LTBP4 (latent transforming growth factor beta binding protein 4; plus strand). Cytogenetic location: 19q13.2.
Variant type: single nucleotide variant.
Coding change: c.2279T>G on transcript NM_001042545.2 (MANE Select); coding-DNA position 2279, T replaced by G.
Protein change: p.Leu760Arg; replaces leucine 760 with arginine.
Molecular consequence: missense variant.
Genome position (GRCh38, 1-based): chr19:40,612,172, T>G. VCF-style: chr19-40612172-T-G. GRCh37 (hg19) VCF-style: chr19-41118078-T-G.
Other names: c.2480T>G, p.Leu827Arg (NM_001042544.1); c.2369T>G, p.Leu790Arg (NM_003573.2); short protein forms L827R, L760R, L790R.
Identifiers: ClinVar variation 4712256 (VCV004712256.1).